The following is an entry in ClinVar:

ClinVar aggregate classification (germline): Likely benign (0 of 4 stars; one submission).

Conditions:
ROCK2-related disorder. Also called: ROCK2-related condition.

Submission:

PreventionGenetics, part of Exact Sciences
Classification: Likely benign for ROCK2-related condition. Last evaluated: 2024-02-28. Review status: no assertion criteria provided. Collection method: clinical testing. Allele origin: germline.
Comment: This variant is classified as likely benign based on ACMG/AMP sequence variant interpretation guidelines (Richards et al. 2015 PMID: 25741868, with internal and published modifications).

NM_004850.5(ROCK2):c.2583G>A (p.Glu861=)

Gene: ROCK2 (Rho associated coiled-coil containing protein kinase 2; minus strand). Cytogenetic location: 2p25.1.
Variant type: single nucleotide variant.
Coding change: c.2583G>A on transcript NM_004850.5 (MANE Select); coding-DNA position 2583, G replaced by A.
Protein change: p.Glu861=; no amino-acid change (glutamic acid 861 retained).
Molecular consequence: synonymous variant.
Genome position (GRCh38, 1-based): chr2:11,202,088, C>T on the plus strand (G>A on the coding strand, the complement: ROCK2 is on the minus strand). VCF-style: chr2-11202088-C-T. GRCh37 (hg19) VCF-style: chr2-11342214-C-T.
Other names: c.2325G>A, p.Glu775= (NM_001321643.2).
Identifiers: ClinVar variation 3061202 (VCV003061202.2), dbSNP rs2527785800, ClinGen allele CA424844804.